The following is an entry in ClinVar:

ClinVar aggregate classification (germline): Pathogenic/Likely pathogenic. Review status: criteria provided, multiple submitters, no conflicts (2 of 4 stars). 5 submissions from 5 submitters: Pathogenic (3); Likely pathogenic (1). 1 of the submissions does not count toward it. Last evaluated 2025-12-31.

Conditions:
Juberg-Hayward syndrome (JHS). Also called: OROCRANIODIGITAL SYNDROME; Cleft lip/palate with abnormal thumbs and microcephaly. Identifiers: Orphanet 2319, MedGen C0796099, MONDO:0008992, OMIM 216100.
Roberts-SC phocomelia syndrome (RBS). Also called: LONG BONE DEFICIENCIES ASSOCIATED WITH CLEFT LIP-PALATE; Hypomelia hypotrichosis facial hemangioma syndrome; Pseudothalidomide syndrome; Appelt-Gerken-Lenz syndrome; ESCO2 Spectrum Disorder. Identifiers: Orphanet 3103, MedGen C0392475, MONDO:0100253, OMIM 268300.

Allele frequency attached by ClinVar (database versions not stated): gnomAD exomes below 0.00001 and 0.00001; TOPMed 0.00001.
gnomAD v4.1: 9 of 1,613,676 alleles (0.00056%); highest among the groups gnomAD compares: South Asian, 0.0033%; no homozygotes.

Submissions (5):

Labcorp Genetics (formerly Invitae), Labcorp
Classification: Pathogenic. Last evaluated: 2025-12-31. Review status: criteria provided, single submitter. Criteria: Invitae Variant Classification Sherloc (09022015). Collection method: clinical testing. Allele origin: germline.
Comment: This sequence change creates a premature translational stop signal (p.Arg552*) in the ESCO2 gene. While this is not anticipated to result in nonsense mediated decay, it is expected to disrupt the last 50 amino acid(s) of the ESCO2 protein. This variant is present in population databases (no rsID available, gnomAD 0.003%). This premature translational stop signal has been observed in individual(s) with ESCO2-related conditions (PMID: 32255174, 32977150). It has also been observed to segregate with disease in related individuals. ClinVar contains an entry for this variant (Variation ID: 1027671). Studies have shown that this premature translational stop signal alters ESCO2 gene expression (PMID: 32977150). For these reasons, this variant has been classified as Pathogenic.

Natera, Inc.
Classification: Likely pathogenic for Roberts syndrome. Last evaluated: 2025-12-29. Review status: criteria provided, single submitter. Criteria: Natera Variant Classification Schema (03/2026). Collection method: clinical testing. Allele origin: germline.
Comment: The c.1654C>T variant in ESCO2 is a nonsense variant predicted to introduce a stop codon at amino acid 552. This variant may result in a truncated or dysfunctional protein product. This variant is rare in the general population with a frequency below the threshold expected for the associated phenotype(s). This variant has been observed in one or more individuals affected with the associated recessive disease, as either homozygous or compound heterozygous with a second variant (PMID: 32255174, 32977150). Functional studies show that this variant may disrupt protein function (PMID: 32255174). Given the available evidence, this variant is classified as Likely Pathogenic.

Revvity Omics, Revvity
Classification: Pathogenic. Last evaluated: 2025-01-10. Review status: criteria provided, single submitter. Criteria: ACMG Guidelines, 2015. Collection method: clinical testing. Allele origin: germline.

Fulgent Genetics
Classification: Pathogenic for Juberg-Hayward syndrome; Roberts-SC phocomelia syndrome. Last evaluated: 2024-05-24. Review status: criteria provided, single submitter. Criteria: ACMG Guidelines, 2015. Collection method: clinical testing. Allele origin: germline.

OMIM
Classification: Pathogenic for JUBERG-HAYWARD SYNDROME. Last evaluated: 2021-03-17. Review status: no assertion criteria provided. Collection method: literature only. Allele origin: germline. Not counted in ClinVar's aggregate classification.

Literature cited by the submitters: PubMed 32255174 (cited by 3 submitters); PubMed 32977150 (cited by 3 submitters).

NM_001017420.3(ESCO2):c.1654C>T (p.Arg552Ter)

Gene: ESCO2 (establishment of sister chromatid cohesion N-acetyltransferase 2; plus strand). Cytogenetic location: 8p21.1.
Variant type: single nucleotide variant.
Coding change: c.1654C>T on transcript NM_001017420.3 (MANE Select); coding-DNA position 1654, C replaced by T.
Protein change: p.Arg552Ter; replaces arginine 552 with a stop codon.
Molecular consequence: nonsense.
Genome position (GRCh38, 1-based): chr8:27,799,697, C>T. VCF-style: chr8-27799697-C-T. GRCh37 (hg19) VCF-style: chr8-27657214-C-T.
Other names: ESCO2, ARG552TER (rs991672013); short protein forms R552*.
Identifiers: ClinVar variation 1027671 (VCV001027671.12), dbSNP rs991672013, ClinGen allele CA174271604.